The following is an entry in ClinVar:

NM_002203.4(ITGA2):c.11A>G (p.Glu4Gly)

Genes: ITGA2 (integrin subunit alpha 2; plus strand), ITGA2-AS1 (ITGA2 antisense RNA 1; minus strand). Cytogenetic location: 5q11.2.
Variant type: single nucleotide variant.
Coding change: c.11A>G on transcript NM_002203.4 (MANE Select); coding-DNA position 11, A replaced by G.
Protein change: p.Glu4Gly; replaces glutamic acid 4 with glycine.
Molecular consequence: missense variant. On other transcripts: non-coding transcript variant (5).
Genome position (GRCh38, 1-based): chr5:52,989,479, A>G. VCF-style: chr5-52989479-A-G. GRCh37 (hg19) VCF-style: chr5-52285309-A-G.
Other names: short protein forms E4G.
Identifiers: ClinVar variation 353731 (VCV000353731.6), dbSNP rs559975113, ClinGen allele CA3262454.
Genomic context (GRCh38, chr5:52,989,479, plus strand): 5'-GCAAACCTCTGCAAACCCAGCGCAACTACGGTCCCCCGGTCAGACCCAGGATGGGGCCAG[A>G]ACGGACAGGGGCCGCGCCGCTGCCGCTGCTGCTGGTGTTAGCGCTCAGTCAAGGTAAGCG-3'
Protein context (NP_002194.2, residues 1-14): MGP[Glu4Gly]RTGAAPLPLL

ClinVar aggregate classification (germline): Benign. Review status: criteria provided, multiple submitters, no conflicts (2 of 4 stars). 2 submissions from 2 submitters: Benign (2). Last evaluated 2018-01-12.

Conditions:
Platelet-type bleeding disorder 9 (BDPLT9). Also called: GLYCOPROTEIN Ia DEFICIENCY; GP Ia DEFICIENCY; COLLAGEN PLATELET RECEPTOR DEFICIENCY. Identifiers: Orphanet 73271, Orphanet 98886, MedGen C3280114, MONDO:0013622, OMIM 614200.

Allele frequency attached by ClinVar (database versions not stated): gnomAD exomes 0.00004 and 0.00015; gnomAD 0.00009; ExAC 0.00011; TOPMed 0.00011; 1000 Genomes Project 30x 0.00031; 1000 Genomes Project 0.00040.
gnomAD v4.1: 85 of 1,614,180 alleles (0.0053%); highest among the groups gnomAD compares: East Asian, 0.14%; 1 homozygote.

Submissions (2):

Illumina Laboratory Services, Illumina
Classification: Benign for Platelet-type bleeding disorder 9. Last evaluated: 2018-01-12. Review status: criteria provided, single submitter. Criteria: ICSL Variant Classification Criteria 13 December 2019. Collection method: clinical testing. Allele origin: germline.
Comment: This variant was observed in the ICSL laboratory as part of a predisposition screen in an ostensibly healthy population. It had not been previously curated by ICSL or reported in the Human Gene Mutation Database (HGMD: prior to June 1st, 2018), and was therefore a candidate for classification through an automated scoring system. Utilizing variant allele frequency, disease prevalence and penetrance estimates, and inheritance mode, an automated score was calculated to assess if this variant is too frequent to cause the disease. Based on the score and internal cut-off values, a variant classified as benign is not then subjected to further curation. The score for this variant resulted in a classification of benign for this disease.

Breakthrough Genomics
Classification: Benign. Review status: criteria provided, single submitter. Criteria: ACMG Guidelines, 2015. Collection method: not provided. Allele origin: germline. Inheritance: Unknown mechanism. Affected: yes.